The following is an entry in ClinVar:

ClinVar aggregate classification (germline): Conflicting classifications of pathogenicity. Review status: criteria provided, conflicting classifications (1 of 4 stars). 4 submissions from 4 submitters: Uncertain significance (3); Likely benign (1). Last evaluated 2025-12-10.

Conditions:
Cardiovascular phenotype. Identifiers: MedGen CN230736.
Noonan syndrome 9 (NS9). Identifiers: Orphanet 648, MedGen C4225282, MONDO:0014691, OMIM 616559.

Allele frequency attached by ClinVar (database versions not stated): gnomAD 0.00002 and 0.00003; ExAC 0.00002; ESP Exome Variant Server 0.00008; gnomAD exomes 0.00001.
gnomAD v4.1: 99 of 1,566,460 alleles (0.0063%); highest among the groups gnomAD compares: Non-Finnish European, 0.0083%; no homozygotes.

Submissions (4):

Labcorp Genetics (formerly Invitae), Labcorp
Classification: Likely benign for Noonan syndrome 9. Last evaluated: 2025-12-10. Review status: criteria provided, single submitter. Criteria: Invitae Variant Classification Sherloc (09022015). Collection method: clinical testing. Allele origin: germline.

Ambry Genetics
Classification: Uncertain significance for Cardiovascular phenotype. Last evaluated: 2024-08-23. Review status: criteria provided, single submitter. Criteria: Ambry Variant Classification Scheme 2023. Collection method: clinical testing. Allele origin: germline.
Comment: The p.P1183S variant (also known as c.3547C>T), located in coding exon 23 of the SOS2 gene, results from a C to T substitution at nucleotide position 3547. The proline at codon 1183 is replaced by serine, an amino acid with similar properties. This amino acid position is conserved. In addition, the in silico prediction for this alteration is inconclusive. Since supporting evidence is limited at this time, the clinical significance of this alteration remains unclear.

ARUP Laboratories, Molecular Genetics and Genomics, ARUP Laboratories
Classification: Uncertain significance for Noonan syndrome 9. Last evaluated: 2023-08-08. Review status: criteria provided, single submitter. Criteria: ARUP Molecular Germline Variant Investigation Process 2024. Collection method: clinical testing. Allele origin: germline.
Comment: The SOS2 c.3547C>T; p.Pro1183Ser variant (rs139401491), to our knowledge, is not reported in the medical literature but is reported in ClinVar (Variation ID: 1404777). This variant is found in the non-Finnish European population with an allele frequency of 0.0028% (3/106,010 alleles) in the Genome Aggregation Database. Computational analyses are uncertain whether this variant is neutral or deleterious (REVEL: 0.386). Due to limited information, the clinical significance of this variant is uncertain at this time.

Genome-Nilou Lab
Classification: Uncertain significance for Noonan syndrome 9. Review status: criteria provided, single submitter. Criteria: ACMG Guidelines, 2015. Collection method: clinical testing. Allele origin: germline.

NM_006939.4(SOS2):c.3547C>T (p.Pro1183Ser)

Gene: SOS2 (SOS Ras/Rho guanine nucleotide exchange factor 2; minus strand). Cytogenetic location: 14q21.3.
Variant type: single nucleotide variant.
Coding change: c.3547C>T on transcript NM_006939.4 (MANE Select); coding-DNA position 3547, C replaced by T.
Protein change: p.Pro1183Ser; replaces proline 1183 with serine.
Molecular consequence: missense variant.
Genome position (GRCh38, 1-based): chr14:50,118,796, G>A on the plus strand (C>T on the coding strand, the complement: SOS2 is on the minus strand). VCF-style: chr14-50118796-G-A. GRCh37 (hg19) VCF-style: chr14-50585514-G-A.
Other names: short protein forms P1183S.
Identifiers: ClinVar variation 1404777 (VCV001404777.13), dbSNP rs139401491, ClinGen allele CA7176755.
Genomic context (GRCh38, chr14:50,118,796, plus strand): 5'-GACTATGCAGAGGCCCATCAAATGCACCAGTAGGAACAGGAACTCTGGGTTTTACCTTTG[G>A]AGGAGGAGGCTGTCTCGGTGGAATAGCAGGAGGATCATCATCAGATTTCATATTTCCCTC-3'
Protein context (NP_008870.2, residues 1173-1193): PAIPPRQPPP[Pro1183Ser]KVKPRVPVPT